The following is an entry in ClinVar:

ClinVar aggregate classification (germline): other (0 of 4 stars; one submission).

Conditions:
Familial colorectal cancer. Identifiers: MedGen CN280943, MONDO:0023113. Disease mechanism: loss of function.

Submission:

Systems Biology Platform Zhejiang California International NanoSystems Institute
Classification: other for Familial colorectal cancer. Review status: no assertion criteria provided. Collection method: not provided. Allele origin: unknown.
ClinVar note: Converted during submission from cancer to other.

NM_000038.6(APC):c.423-686G>T

Gene: APC (APC regulator of WNT signaling pathway; plus strand). Cytogenetic location: 5q22.2.
Variant type: single nucleotide variant.
Coding change: c.423-686G>T on transcript NM_000038.6 (MANE Select); 686 bases into the intron before coding-DNA position 423, G replaced by T.
Molecular consequence: intron variant.
Genome position (GRCh38, 1-based): chr5:112,774,943, G>T. VCF-style: chr5-112774943-G-T. GRCh37 (hg19) VCF-style: chr5-112110640-G-T.
Other names: c.423-686G>T (NM_001354895.2, NM_001127510.3, NM_001354896.2 and 2 more transcripts); c.453-686G>T (NM_001354897.2, NM_001354902.2, NM_001127511.3); c.348-686G>T (NM_001354898.2, NM_001354904.2); c.-613-686G>T (NM_001354906.2); c.246-686G>T (NM_001354900.2, NM_001354901.2, NM_001354905.2).
Identifiers: ClinVar variation 82905 (VCV000082905.2), dbSNP rs77983750, ClinGen allele CA009354.
Genomic context (GRCh38, chr5:112,774,943, plus strand): 5'-TGTATTTTTATAGAATAGCTCTAGAAGTATACCTAAGAAAATTATAACAGTGGTAGCTCT[G>T]GCAAAGAGCCACGTGAAAAGAGATAAATTATATACTTTTTGTACCTCTTGAGTTTTATCC-3'